The following is an entry in ClinVar:

ClinVar aggregate classification (germline): Uncertain significance (1 of 4 stars; one submission).

Allele frequency attached by ClinVar (database versions not stated): gnomAD exomes 0.00001; ExAC 0.00002.
gnomAD v4.1: 31 of 1,614,170 alleles (0.0019%); highest among the groups gnomAD compares: Non-Finnish European, 0.0025%; no homozygotes.

Submission:

Labcorp Genetics (formerly Invitae), Labcorp
Classification: Uncertain significance. Last evaluated: 2025-03-17. Review status: criteria provided, single submitter. Criteria: Invitae Variant Classification Sherloc (09022015). Collection method: clinical testing. Allele origin: germline.
Comment: This sequence change replaces proline, which is neutral and non-polar, with serine, which is neutral and polar, at codon 993 of the ADAMTS18 protein (p.Pro993Ser). This variant is present in population databases (rs756811678, gnomAD 0.003%). This variant has not been reported in the literature in individuals affected with ADAMTS18-related conditions. ClinVar contains an entry for this variant (Variation ID: 846106). An algorithm developed to predict the effect of missense changes on protein structure and function (PolyPhen-2) suggests that this variant is likely to be disruptive. In summary, the available evidence is currently insufficient to determine the role of this variant in disease. Therefore, it has been classified as a Variant of Uncertain Significance.

NM_199355.4(ADAMTS18):c.2977C>T (p.Pro993Ser)

Gene: ADAMTS18 (ADAM metallopeptidase with thrombospondin type 1 motif 18; minus strand). Cytogenetic location: 16q23.1.
Variant type: single nucleotide variant.
Coding change: c.2977C>T on transcript NM_199355.4 (MANE Select); coding-DNA position 2977, C replaced by T.
Protein change: p.Pro993Ser; replaces proline 993 with serine.
Molecular consequence: missense variant.
Genome position (GRCh38, 1-based): chr16:77,294,952, G>A on the plus strand (C>T on the coding strand, the complement: ADAMTS18 is on the minus strand). VCF-style: chr16-77294952-G-A. GRCh37 (hg19) VCF-style: chr16-77328849-G-A.
Other names: c.2461C>T, p.Pro821Ser (NM_001326358.2); short protein forms P821S, P993S.
Identifiers: ClinVar variation 846106 (VCV000846106.8), dbSNP rs756811678, ClinGen allele CA8180681.